The following is an entry in ClinVar:

NM_000493.4(COL10A1):c.1210G>C (p.Gly404Arg)

Genes: COL10A1 (collagen type X alpha 1 chain; minus strand), NT5DC1 (5'-nucleotidase domain containing 1; plus strand). Cytogenetic location: 6q22.1.
Variant type: single nucleotide variant.
Coding change: c.1210G>C on transcript NM_000493.4 (MANE Select); coding-DNA position 1210, G replaced by C.
Protein change: p.Gly404Arg; replaces glycine 404 with arginine.
Molecular consequence: missense variant. On other transcripts: intron variant (1).
Genome position (GRCh38, 1-based): chr6:116,120,906, C>G on the plus strand (G>C on the coding strand, the complement: COL10A1 is on the minus strand). VCF-style: chr6-116120906-C-G. GRCh37 (hg19) VCF-style: chr6-116442069-C-G.
Other names: c.1210G>C (NM_000493.3); c.1210G>C, p.Gly404Arg (NM_001424106.1, NM_001424107.1); c.529+2961C>G (NM_152729.3); short protein forms G404R.
Identifiers: ClinVar variation 3011740 (VCV003011740.4), dbSNP rs1304918815, ClinGen allele CA365388890.

ClinVar aggregate classification (germline): Uncertain significance. Review status: criteria provided, multiple submitters, no conflicts (2 of 4 stars). 2 submissions from 2 submitters: Uncertain significance (2). Last evaluated 2026-05-26.

Conditions:
Inborn genetic diseases. Identifiers: MedGen C0950123, MeSH D030342.

Allele frequency attached by ClinVar (database versions not stated): TOPMed below 0.00001.
gnomAD v4.1: 1 of 1,613,966 alleles (0.000062%); highest among the groups gnomAD compares: Admixed American, 0.0017%; no homozygotes.

Submissions (2):

Ambry Genetics
Classification: Uncertain significance for Inborn genetic diseases. Last evaluated: 2026-05-26. Review status: criteria provided, single submitter. Criteria: Ambry Variant Classification Scheme 2023. Collection method: clinical testing. Allele origin: germline.
Comment: The c.1210G>C (p.G404R) alteration is located in exon 3 (coding exon 2) of the COL10A1 gene. This alteration results from a G to C substitution at nucleotide position 1210, causing the glycine (G) at amino acid position 404 to be replaced by an arginine (R). Based on data from gnomAD, the C allele has an overall frequency of <0.001% (1/251314) total alleles studied. The highest observed frequency was 0.003% (1/34578) of Latino alleles. Based on insufficient or conflicting evidence, the clinical significance of this alteration remains unclear.

Labcorp Genetics (formerly Invitae), Labcorp
Classification: Uncertain significance. Last evaluated: 2023-08-28. Review status: criteria provided, single submitter. Criteria: Invitae Variant Classification Sherloc (09022015). Collection method: clinical testing. Allele origin: germline.
Comment: In summary, the available evidence is currently insufficient to determine the role of this variant in disease. Therefore, it has been classified as a Variant of Uncertain Significance. Advanced modeling of protein sequence and biophysical properties (such as structural, functional, and spatial information, amino acid conservation, physicochemical variation, residue mobility, and thermodynamic stability) performed at Invitae indicates that this missense variant is expected to disrupt COL10A1 protein function. This variant has not been reported in the literature in individuals affected with COL10A1-related conditions. This variant is present in population databases (no rsID available, gnomAD 0.003%). This sequence change replaces glycine, which is neutral and non-polar, with arginine, which is basic and polar, at codon 404 of the COL10A1 protein (p.Gly404Arg).